The following is an entry in ClinVar:

ClinVar aggregate classification (germline): Likely benign (0 of 4 stars; one submission).

Conditions:
CHRNA4-related disorder. Also called: CHRNA4-related condition.

Submission:

PreventionGenetics, part of Exact Sciences
Classification: Likely benign for CHRNA4-related condition. Last evaluated: 2019-06-21. Review status: no assertion criteria provided. Collection method: clinical testing. Allele origin: germline.
Comment: This variant is classified as likely benign based on ACMG/AMP sequence variant interpretation guidelines (Richards et al. 2015 PMID: 25741868, with internal and published modifications).

NM_000744.7(CHRNA4):c.1728C>T (p.Asp576=)

Gene: CHRNA4 (cholinergic receptor nicotinic alpha 4 subunit; minus strand). Cytogenetic location: 20q13.33.
Variant type: single nucleotide variant.
Coding change: c.1728C>T on transcript NM_000744.7 (MANE Select); coding-DNA position 1728, C replaced by T.
Protein change: p.Asp576=; no amino-acid change (aspartic acid 576 retained).
Molecular consequence: synonymous variant. On other transcripts: non-coding transcript variant (1).
Genome position (GRCh38, 1-based): chr20:63,349,683, G>A on the plus strand (C>T on the coding strand, the complement: CHRNA4 is on the minus strand). VCF-style: chr20-63349683-G-A. GRCh37 (hg19) VCF-style: chr20-61981035-G-A.
Other names: c.1200C>T, p.Asp400= (NM_001256573.2).
Identifiers: ClinVar variation 3042465 (VCV003042465.2), dbSNP rs1218265056, ClinGen allele CA511204140.